The following is an entry in ClinVar:

NM_001928.4(CFD):c.502C>T (p.His168Tyr)

Gene: CFD (complement factor D; plus strand). Cytogenetic location: 19p13.3.
Variant type: single nucleotide variant.
Coding change: c.502C>T on transcript NM_001928.4 (MANE Select); coding-DNA position 502, C replaced by T.
Protein change: p.His168Tyr; replaces histidine 168 with tyrosine.
Molecular consequence: missense variant.
Genome position (GRCh38, 1-based): chr19:861,843, C>T. VCF-style: chr19-861843-C-T. GRCh37 (hg19) VCF-style: chr19-861843-C-T.
Other names: c.523C>T, p.His175Tyr (NM_001317335.2); short protein forms H168Y, H175Y.
Identifiers: ClinVar variation 2007474 (VCV002007474.1), dbSNP rs2035800047, ClinGen allele CA402922828.

ClinVar aggregate classification (germline): Uncertain significance (1 of 4 stars; one submission).

gnomAD v4.1: 1 of 1,600,070 alleles (0.000062%); highest among the groups gnomAD compares: Non-Finnish European, 0.000085%; no homozygotes.

Submission:

Labcorp Genetics (formerly Invitae), Labcorp
Classification: Uncertain significance. Last evaluated: 2022-06-17. Review status: criteria provided, single submitter. Criteria: Invitae Variant Classification Sherloc (09022015). Collection method: clinical testing. Allele origin: germline.
Comment: This sequence change replaces histidine, which is basic and polar, with tyrosine, which is neutral and polar, at codon 168 of the CFD protein (p.His168Tyr). This variant is not present in population databases (gnomAD no frequency). This variant has not been reported in the literature in individuals affected with CFD-related conditions. Algorithms developed to predict the effect of missense changes on protein structure and function output the following: SIFT: "Not Available"; PolyPhen-2: "Benign"; Align-GVGD: "Not Available". The tyrosine amino acid residue is found in multiple mammalian species, which suggests that this missense change does not adversely affect protein function. In summary, the available evidence is currently insufficient to determine the role of this variant in disease. Therefore, it has been classified as a Variant of Uncertain Significance.